The following is an entry in ClinVar:

ClinVar aggregate classification (germline): Conflicting classifications of pathogenicity. Review status: criteria provided, conflicting classifications (1 of 4 stars). 4 submissions from 4 submitters: Uncertain significance (3); Likely benign (1). Last evaluated 2025-11-10.

Conditions:
Myofibrillar myopathy 5. Also called: Filaminopathy (type); FILAMINOPATHY, AUTOSOMAL DOMINANT. Identifiers: Orphanet 171445, MedGen C1836050, MONDO:0012289, OMIM 609524.
Hypertrophic cardiomyopathy 26. Also called: Cardiomyopathy, familial hypertrophic, 26. Identifiers: Orphanet 75249, MedGen C4310749, MONDO:0014883, OMIM 617047.
Distal myopathy with posterior leg and anterior hand involvement. Also called: WILLIAMS DISTAL MYOPATHY. Identifiers: Orphanet 63273, MedGen C3279722, MONDO:0013550, OMIM 614065.
Cardiovascular phenotype. Identifiers: MedGen CN230736.

Allele frequency attached by ClinVar (database versions not stated): gnomAD exomes 0.00001; gnomAD 0.00002 and 0.00003; TOPMed 0.00002; ESP Exome Variant Server 0.00008.
gnomAD v4.1: 6 of 1,613,782 alleles (0.00037%); highest among the groups gnomAD compares: African/African-American, 0.008%; no homozygotes.

Submissions (4):

Labcorp Genetics (formerly Invitae), Labcorp
Classification: Likely benign for Distal myopathy with posterior leg and anterior hand involvement; Myofibrillar myopathy 5; Hypertrophic cardiomyopathy 26. Last evaluated: 2025-11-10. Review status: criteria provided, single submitter. Criteria: Invitae Variant Classification Sherloc (09022015). Collection method: clinical testing. Allele origin: germline.

GeneDx
Classification: Uncertain significance. Last evaluated: 2025-02-11. Review status: criteria provided, single submitter. Criteria: GeneDx Variant Classification Process June 2021. Collection method: clinical testing. Allele origin: germline.
Comment: Has not been previously published as pathogenic or benign to our knowledge; Not observed at significant frequency in large population cohorts (gnomAD); In silico analysis supports that this missense variant has a deleterious effect on protein structure/function

Revvity Omics, Revvity
Classification: Uncertain significance. Last evaluated: 2024-09-22. Review status: criteria provided, single submitter. Criteria: ACMG Guidelines, 2015. Collection method: clinical testing. Allele origin: germline.

Ambry Genetics
Classification: Uncertain significance for Cardiovascular phenotype. Last evaluated: 2019-08-30. Review status: criteria provided, single submitter. Criteria: Ambry Variant Classification Scheme 2023. Collection method: clinical testing. Allele origin: germline.
Comment: The p.T1087S variant (also known as c.3260C>G), located in coding exon 21 of the FLNC gene, results from a C to G substitution at nucleotide position 3260. The threonine at codon 1087 is replaced by serine, an amino acid with similar properties. This amino acid position is highly conserved in available vertebrate species. In addition, the in silico prediction for this alteration is inconclusive. Since supporting evidence is limited at this time, the clinical significance of this alteration remains unclear.

NM_001458.5(FLNC):c.3260C>G (p.Thr1087Ser)

Gene: FLNC (filamin C; plus strand). Cytogenetic location: 7q32.1.
Variant type: single nucleotide variant.
Coding change: c.3260C>G on transcript NM_001458.5 (MANE Select); coding-DNA position 3260, C replaced by G.
Protein change: p.Thr1087Ser; replaces threonine 1087 with serine.
Molecular consequence: missense variant.
Genome position (GRCh38, 1-based): chr7:128,844,725, C>G. VCF-style: chr7-128844725-C-G. GRCh37 (hg19) VCF-style: chr7-128484779-C-G.
Other names: c.3260C>G, p.Thr1087Ser (NM_001127487.2); short protein forms T1087S.
Identifiers: ClinVar variation 539392 (VCV000539392.17), dbSNP rs372205719, ClinGen allele CA166178312.